The following is an entry in ClinVar:

NM_001365536.1(SCN9A):c.1721A>G (p.Glu574Gly)

Genes: SCN9A (sodium voltage-gated channel alpha subunit 9; minus strand), SCN1A-AS1 (SCN1A and SCN9A antisense RNA 1; plus strand). Cytogenetic location: 2q24.3.
Variant type: single nucleotide variant.
Coding change: c.1721A>G on transcript NM_001365536.1 (MANE Select); coding-DNA position 1721, A replaced by G.
Protein change: p.Glu574Gly; replaces glutamic acid 574 with glycine.
Molecular consequence: missense variant.
Genome position (GRCh38, 1-based): chr2:166,284,706, T>C on the plus strand (A>G on the coding strand, the complement: SCN9A is on the minus strand). VCF-style: chr2-166284706-T-C. GRCh37 (hg19) VCF-style: chr2-167141216-T-C.
Other names: c.1721A>G, p.Glu574Gly (NM_002977.4); short protein forms E574G.
Identifiers: ClinVar variation 1040077 (VCV001040077.9), dbSNP rs1697654822, ClinGen allele CA349083698.

ClinVar aggregate classification (germline): Uncertain significance (1 of 4 stars; one submission).

Conditions:
Generalized epilepsy with febrile seizures plus, type 7 (GEFSP7). Also called: GEFS+, TYPE 7. Identifiers: Orphanet 36387, MedGen C2751778, MONDO:0013470, OMIM 613863.
Neuropathy, hereditary sensory and autonomic, type 2A (HSAN2A). Also called: NEUROPATHY, CONGENITAL SENSORY; NEUROPATHY, HEREDITARY SENSORY RADICULAR, AUTOSOMAL RECESSIVE; NEUROPATHY, HEREDITARY SENSORY, TYPE IIA; NEUROPATHY, PROGRESSIVE SENSORY, OF CHILDREN; WNK1-Related HSAN2 (HSAN2A); MORVAN DISEASE. Identifiers: Orphanet 970, MedGen C2752089, MONDO:0024309, OMIM 201300.

Submission:

Labcorp Genetics (formerly Invitae), Labcorp
Classification: Uncertain significance for Neuropathy, hereditary sensory and autonomic, type 2A; Generalized epilepsy with febrile seizures plus, type 7. Last evaluated: 2020-02-18. Review status: criteria provided, single submitter. Criteria: Invitae Variant Classification Sherloc (09022015). Collection method: clinical testing. Allele origin: germline.
Comment: This sequence change replaces glutamic acid with glycine at codon 574 of the SCN9A protein (p.Glu574Gly). The glutamic acid residue is highly conserved and there is a moderate physicochemical difference between glutamic acid and glycine. This variant is not present in population databases (ExAC no frequency). This variant has not been reported in the literature in individuals with SCN9A-related conditions. Algorithms developed to predict the effect of missense changes on protein structure and function are either unavailable or do not agree on the potential impact of this missense change (SIFT: "Deleterious"; PolyPhen-2: "Probably Damaging"; Align-GVGD: "Class C0"). In summary, the available evidence is currently insufficient to determine the role of this variant in disease. Therefore, it has been classified as a Variant of Uncertain Significance.